The following is an entry in ClinVar:

NM_006929.5(SKIC2):c.2752G>A (p.Val918Ile)

Gene: SKIC2 (SKI2 subunit of superkiller complex; plus strand). Cytogenetic location: 6p21.33.
Variant type: single nucleotide variant.
Coding change: c.2752G>A on transcript NM_006929.5 (MANE Select); coding-DNA position 2752, G replaced by A.
Protein change: p.Val918Ile; replaces valine 918 with isoleucine.
Molecular consequence: missense variant.
Genome position (GRCh38, 1-based): chr6:31,967,976, G>A. VCF-style: chr6-31967976-G-A. GRCh37 (hg19) VCF-style: chr6-31935753-G-A.
Other names: p.Val918Ile; c.2752G>A (NM_006929.4); short protein forms V918I.
Identifiers: ClinVar variation 1599990 (VCV001599990.12), dbSNP rs148798682, ClinGen allele CA3729866.

ClinVar aggregate classification (germline): Benign/Likely benign. Review status: criteria provided, multiple submitters, no conflicts (2 of 4 stars). 4 submissions from 4 submitters: Benign (1); Likely benign (2). 1 of the submissions does not count toward it. Last evaluated 2026-01-21.

Conditions:
SKIC2-related disorder. Also called: SKIC2-related condition.

Allele frequency attached by ClinVar (database versions not stated): gnomAD exomes 0.00014 and 0.00049; ESP Exome Variant Server 0.00024; gnomAD 0.00024 and 0.00025; TOPMed 0.00038; ExAC 0.00040.
gnomAD v4.1: 245 of 1,612,974 alleles (0.015%); highest among the groups gnomAD compares: Admixed American, 0.32%; 1 homozygote.

Submissions (4):

Labcorp Genetics (formerly Invitae), Labcorp
Classification: Benign. Last evaluated: 2026-01-21. Review status: criteria provided, single submitter. Criteria: Invitae Variant Classification Sherloc (09022015). Collection method: clinical testing. Allele origin: germline.

Mayo Clinic Laboratories, Mayo Clinic
Classification: Likely benign. Last evaluated: 2025-07-07. Review status: criteria provided, single submitter. Criteria: ACMG Guidelines, 2015. Collection method: clinical testing. Allele origin: germline. Observed: 1 variant allele.
Comment: BS1, BP4_moderate

Blueprint Genetics
Classification: Likely benign. Last evaluated: 2024-11-26. Review status: criteria provided, single submitter. Criteria: ACMG Guidelines, 2015. Collection method: clinical testing. Allele origin: germline.

PreventionGenetics, part of Exact Sciences
Classification: Likely benign for SKIC2-related condition. Last evaluated: 2022-12-07. Review status: no assertion criteria provided. Collection method: clinical testing. Allele origin: germline. Not counted in ClinVar's aggregate classification.
Comment: This variant is classified as likely benign based on ACMG/AMP sequence variant interpretation guidelines (Richards et al. 2015 PMID: 25741868, with internal and published modifications).